The following is an entry in ClinVar:

ClinVar aggregate classification (germline): Likely benign. Review status: criteria provided, multiple submitters, no conflicts (2 of 4 stars). 2 submissions from 2 submitters: Likely benign (2). Last evaluated 2025-09-05.

Conditions:
Hypertrophic cardiomyopathy. Also called: HYPERTROPHIC MYOCARDIOPATHY. Identifiers: Orphanet 217569, MedGen C0007194, MeSH D002312, MONDO:0005045, HP:0001639.

Submissions (2):

Labcorp Genetics (formerly Invitae), Labcorp
Classification: Likely benign for Hypertrophic cardiomyopathy. Last evaluated: 2025-09-05. Review status: criteria provided, single submitter. Criteria: Invitae Variant Classification Sherloc (09022015). Collection method: clinical testing. Allele origin: germline.

All of Us Research Program, National Institutes of Health
Classification: Likely benign for Hypertrophic cardiomyopathy. Last evaluated: 2024-05-30. Review status: criteria provided, single submitter. Criteria: ACMG Guidelines, 2015. Collection method: clinical testing. Allele origin: germline. Inheritance: Autosomal dominant inheritance. Observed: 1 variant allele, 1 heterozygote.
Comment: This study involves interpretation of variants in research participants for the purpose of population health screening. Participant phenotype was not available at the time of variant classification. Additional details can be found in publication PMID: 35346344, PMCID: PMC8962531

NM_001018005.2(TPM1):c.241-10C>G

Gene: TPM1 (tropomyosin 1; plus strand). Cytogenetic location: 15q22.2.
Variant type: single nucleotide variant.
Coding change: c.241-10C>G on transcript NM_001018005.2 (MANE Select); 10 bases into the intron before coding-DNA position 241, C replaced by G.
Molecular consequence: intron variant.
Genome position (GRCh38, 1-based): chr15:63,056,975, C>G. VCF-style: chr15-63056975-C-G. GRCh37 (hg19) VCF-style: chr15-63349174-C-G.
Other names: c.367-10C>G (NM_001365778.1, NM_001407323.1, NM_001407322.1 and 1 more transcripts); c.241-10C>G (NM_001407336.1, NM_001018020.2, NM_001407338.1 and 20 more transcripts); c.133-10C>G (NM_001330351.2, NM_001330344.2, NM_001018008.2 and 9 more transcripts).
Identifiers: ClinVar variation 3386132 (VCV003386132.2).